The following is an entry in ClinVar:

NM_001330260.2(SCN8A):c.1823G>A (p.Arg608His)

Gene: SCN8A (sodium voltage-gated channel alpha subunit 8; plus strand). Cytogenetic location: 12q13.13.
Variant type: single nucleotide variant.
Coding change: c.1823G>A on transcript NM_001330260.2 (MANE Select); coding-DNA position 1823, G replaced by A.
Protein change: p.Arg608His; replaces arginine 608 with histidine.
Molecular consequence: missense variant.
Genome position (GRCh38, 1-based): chr12:51,721,733, G>A. VCF-style: chr12-51721733-G-A. GRCh37 (hg19) VCF-style: chr12-52115517-G-A.
Other names: c.1823G>A, p.Arg608His (NM_001177984.3, NM_001369788.1, NM_014191.4); short protein forms R608H.
Identifiers: ClinVar variation 864358 (VCV000864358.13), dbSNP rs371644624, ClinGen allele CA236266945.

ClinVar aggregate classification (germline): Uncertain significance. Review status: criteria provided, multiple submitters, no conflicts (2 of 4 stars). 2 submissions from 2 submitters: Uncertain significance (2). Last evaluated 2022-10-26.

Conditions:
Early-infantile DEE. Also called: Early infantile epileptic encephalopathy; Early infantile epileptic encephalopathy with suppression bursts; Ohtahara syndrome. Identifiers: Orphanet 1934, MedGen C0393706, MONDO:0800491.

Allele frequency attached by ClinVar (database versions not stated): TOPMed below 0.00001; ESP Exome Variant Server 0.00008.

Submissions (2):

Labcorp Genetics (formerly Invitae), Labcorp
Classification: Uncertain significance for Early-infantile DEE. Last evaluated: 2022-10-26. Review status: criteria provided, single submitter. Criteria: Invitae Variant Classification Sherloc (09022015). Collection method: clinical testing. Allele origin: germline.
Comment: Advanced modeling of protein sequence and biophysical properties (such as structural, functional, and spatial information, amino acid conservation, physicochemical variation, residue mobility, and thermodynamic stability) performed at Invitae indicates that this missense variant is not expected to disrupt SCN8A protein function. In summary, the available evidence is currently insufficient to determine the role of this variant in disease. Therefore, it has been classified as a Variant of Uncertain Significance. ClinVar contains an entry for this variant (Variation ID: 864358). This variant has not been reported in the literature in individuals affected with SCN8A-related conditions. This variant is not present in population databases (gnomAD no frequency). This sequence change replaces arginine, which is basic and polar, with histidine, which is basic and polar, at codon 608 of the SCN8A protein (p.Arg608His).

Genetic Services Laboratory, University of Chicago
Classification: Uncertain significance. Last evaluated: 2018-06-18. Review status: criteria provided, single submitter. Criteria: ACMG Guidelines, 2015. Collection method: clinical testing. Allele origin: germline. Affected: no.